The following is an entry in ClinVar:

NM_017636.4(TRPM4):c.2817_2825del (p.Trp940_Val942del)

Gene: TRPM4 (transient receptor potential cation channel subfamily M member 4; plus strand). Cytogenetic location: 19q13.33.
Variant type: Deletion.
Coding change: c.2817_2825del on transcript NM_017636.4 (MANE Select); coding-DNA positions 2817 to 2825, 9 bases deleted (GTGGCTGGT; older notation c.2817_2825delGTGGCTGGT).
Protein change: p.Trp940_Val942del.
Molecular consequence: inframe deletion.
Genome position (GRCh38, 1-based): chr19:49,200,649-49,200,657, GTGGCTGGT deleted; deleting any 9 consecutive bases within chr19:49,200,647-49,200,657 gives the same sequence; the c. name uses the placement nearest the transcript's 3' end. VCF-style (leftmost placement, unchanged base first): chr19-49200646-CGTGTGGCTG-C. GRCh37 (hg19) VCF-style: chr19-49703903-CGTGTGGCTG-C.
Other names: c.2382_2390del, p.Trp795_Val797del (NM_001195227.2); c.2472_2480del, p.Trp825_Val827del (NM_001321281.2); c.1209_1217del, p.Trp404_Val406del (NM_001321282.2); c.2295_2303del, p.Trp766_Val768del (NM_001321283.2); c.1755_1763del, p.Trp586_Val588del (NM_001321285.2).
Identifiers: ClinVar variation 3811043 (VCV003811043.1).

ClinVar aggregate classification (germline): Uncertain significance (1 of 4 stars; one submission).

Conditions:
Cardiovascular phenotype. Identifiers: MedGen CN230736.

Submission:

Ambry Genetics
Classification: Uncertain significance for Cardiovascular phenotype. Last evaluated: 2025-01-27. Review status: criteria provided, single submitter. Criteria: Ambry Variant Classification Scheme 2023. Collection method: clinical testing. Allele origin: germline.
Comment: The c.2817_2825delGTGGCTGGT variant (also known as p.W940_V942del) is located in coding exon 19 of the TRPM4 gene. This variant results from an in-frame GTGGCTGGT deletion at nucleotide positions 2817 to 2825. This results in the in-frame deletion of the amino acids (WLV) at codons 940 to 942. This amino acid positions are well conserved in available vertebrate species. In addition, this alteration is predicted to be deleterious by in silico analysis (Choi Y et al. PLoS ONE. 2012; 7(10):e46688). Based on the available evidence, the clinical significance of this variant remains unclear.